The following is an entry in ClinVar:

NM_002204.4(ITGA3):c.394G>A (p.Gly132Ser)

Genes: ITGA3 (integrin subunit alpha 3; plus strand), LOC126862584 (P300/CBP strongly-dependent group 1 enhancer GRCh37_chr17:48141472-48142671; plus strand). Cytogenetic location: 17q21.33.
Variant type: single nucleotide variant.
Coding change: c.394G>A on transcript NM_002204.4 (MANE Select); coding-DNA position 394, G replaced by A.
Protein change: p.Gly132Ser; replaces glycine 132 with serine.
Molecular consequence: missense variant.
Genome position (GRCh38, 1-based): chr17:50,064,587, G>A. VCF-style: chr17-50064587-G-A. GRCh37 (hg19) VCF-style: chr17-48141951-G-A.
Other names: short protein forms G132S.
Identifiers: ClinVar variation 2182715 (VCV002182715.4), dbSNP rs780044729, ClinGen allele CA8641230.
Genomic context (GRCh38, chr17:50,064,587, plus strand): 5'-GATGACCCTGGCCATCACATTATTGAGGACATGTGGCTTGGAGTGACTGTGGCCAGCCAG[G>A]GCCCTGCAGGCAGAGTTCTGGTAAGTGGGTGCTCAGTGTTGGCTCCTCCACCTCTACCCG-3'
Protein context (NP_002195.1, residues 122-142): MWLGVTVASQ[Gly132Ser]PAGRVLVCAH

ClinVar aggregate classification (germline): Uncertain significance (1 of 4 stars; one submission).

Allele frequency attached by ClinVar (database versions not stated): TOPMed below 0.00001; ExAC 0.00002; gnomAD exomes 0.00005.
gnomAD v4.1: 64 of 1,612,764 alleles (0.004%); highest among the groups gnomAD compares: Middle Eastern, 0.049%; no homozygotes.

Submission:

Labcorp Genetics (formerly Invitae), Labcorp
Classification: Uncertain significance. Last evaluated: 2022-09-27. Review status: criteria provided, single submitter. Criteria: Invitae Variant Classification Sherloc (09022015). Collection method: clinical testing. Allele origin: germline.
Comment: This sequence change replaces glycine, which is neutral and non-polar, with serine, which is neutral and polar, at codon 132 of the ITGA3 protein (p.Gly132Ser). This variant is present in population databases (rs780044729, gnomAD 0.009%). This variant has not been reported in the literature in individuals affected with ITGA3-related conditions. Advanced modeling of protein sequence and biophysical properties (such as structural, functional, and spatial information, amino acid conservation, physicochemical variation, residue mobility, and thermodynamic stability) performed at Invitae indicates that this missense variant is not expected to disrupt ITGA3 protein function. In summary, the available evidence is currently insufficient to determine the role of this variant in disease. Therefore, it has been classified as a Variant of Uncertain Significance.